The following is an entry in ClinVar:

ClinVar aggregate classification (germline): Uncertain significance. Review status: criteria provided, multiple submitters, no conflicts (2 of 4 stars). 2 submissions from 2 submitters: Uncertain significance (2). Last evaluated 2026-02-02.

Conditions:
Hereditary cancer-predisposing syndrome. Also called: Hereditary Cancer Syndrome; Tumor predisposition; Hereditary neoplastic syndrome; Neoplastic Syndromes, Hereditary. Identifiers: Orphanet 140162, MedGen C0027672, MeSH D009386, MONDO:0015356.
Oligodontia-cancer predisposition syndrome. Also called: TOOTH AGENESIS-COLORECTAL CANCER SYNDROME. Identifiers: Orphanet 300576, MedGen C1837750, MONDO:0012075, OMIM 608615. Disease mechanism: loss of function.

Submissions (2):

Labcorp Genetics (formerly Invitae), Labcorp
Classification: Uncertain significance for Oligodontia-cancer predisposition syndrome. Last evaluated: 2026-02-02. Review status: criteria provided, single submitter. Criteria: Invitae Variant Classification Sherloc (09022015). Collection method: clinical testing. Allele origin: germline.
Comment: This sequence change replaces threonine, which is neutral and polar, with proline, which is neutral and non-polar, at codon 693 of the AXIN2 protein (p.Thr693Pro). This variant is not present in population databases (gnomAD no frequency). This variant has not been reported in the literature in individuals affected with AXIN2-related conditions. ClinVar contains an entry for this variant (Variation ID: 1047756). Invitae Evidence Modeling of protein sequence and biophysical properties (such as structural, functional, and spatial information, amino acid conservation, physicochemical variation, residue mobility, and thermodynamic stability) indicates that this missense variant is not expected to disrupt AXIN2 protein function with a negative predictive value of 80%. In summary, the available evidence is currently insufficient to determine the role of this variant in disease. Therefore, it has been classified as a Variant of Uncertain Significance.

Ambry Genetics
Classification: Uncertain significance for Hereditary cancer-predisposing syndrome. Last evaluated: 2024-03-16. Review status: criteria provided, single submitter. Criteria: Ambry Variant Classification Scheme 2023. Collection method: clinical testing. Allele origin: germline.
Comment: The p.T693P variant (also known as c.2077A>C), located in coding exon 7 of the AXIN2 gene, results from an A to C substitution at nucleotide position 2077. The threonine at codon 693 is replaced by proline, an amino acid with highly similar properties. This amino acid position is conserved. In addition, the in silico prediction for this alteration is inconclusive. Since supporting evidence is limited at this time, the clinical significance of this alteration remains unclear.

NM_004655.4(AXIN2):c.2077A>C (p.Thr693Pro)

Gene: AXIN2 (axin 2; minus strand). Cytogenetic location: 17q24.1.
Variant type: single nucleotide variant.
Coding change: c.2077A>C on transcript NM_004655.4 (MANE Select); coding-DNA position 2077, A replaced by C.
Protein change: p.Thr693Pro; replaces threonine 693 with proline.
Molecular consequence: missense variant.
Genome position (GRCh38, 1-based): chr17:65,536,384, T>G on the plus strand (A>C on the coding strand, the complement: AXIN2 is on the minus strand). VCF-style: chr17-65536384-T-G. GRCh37 (hg19) VCF-style: chr17-63532502-T-G.
Other names: c.1882A>C, p.Thr628Pro (NM_001363813.1); short protein forms T628P, T693P.
Identifiers: ClinVar variation 1047756 (VCV001047756.12), dbSNP rs2043915642, ClinGen allele CA400676034.